The following is an entry in ClinVar:

ClinVar aggregate classification (germline): Likely benign (0 of 4 stars; one submission).

Conditions:
ZMYND15-related disorder. Also called: ZMYND15-related condition.

Allele frequency attached by ClinVar (database versions not stated): TOPMed 0.00001; gnomAD 0.00002; gnomAD exomes 0.00003; ExAC 0.00006.

Submission:

PreventionGenetics, part of Exact Sciences
Classification: Likely benign for ZMYND15-related condition. Last evaluated: 2019-08-07. Review status: no assertion criteria provided. Collection method: clinical testing. Allele origin: germline.
Comment: This variant is classified as likely benign based on ACMG/AMP sequence variant interpretation guidelines (Richards et al. 2015 PMID: 25741868, with internal and published modifications).

NM_001136046.3(ZMYND15):c.1209T>C (p.Tyr403=)

Gene: ZMYND15 (zinc finger MYND-type containing 15; plus strand). Cytogenetic location: 17p13.2.
Variant type: single nucleotide variant.
Coding change: c.1209T>C on transcript NM_001136046.3 (MANE Select); coding-DNA position 1209, T replaced by C.
Protein change: p.Tyr403=; no amino-acid change (tyrosine 403 retained).
Molecular consequence: synonymous variant.
Genome position (GRCh38, 1-based): chr17:4,743,367, T>C. VCF-style: chr17-4743367-T-C. GRCh37 (hg19) VCF-style: chr17-4646662-T-C.
Other names: c.1209T>C, p.Tyr403= (NM_001267822.1, NM_032265.2).
Identifiers: ClinVar variation 3034938 (VCV003034938.2), dbSNP rs752801920, ClinGen allele CA8309707.